The following is an entry in ClinVar:

NM_000377.3(WAS):c.358G>T (p.Asp120Tyr)

Gene: WAS (WASP actin nucleation promoting factor; plus strand). Cytogenetic location: Xp11.23.
Variant type: single nucleotide variant.
Coding change: c.358G>T on transcript NM_000377.3 (MANE Select); coding-DNA position 358, G replaced by T.
Protein change: p.Asp120Tyr; replaces aspartic acid 120 with tyrosine.
Molecular consequence: missense variant.
Genome position (GRCh38, 1-based): chrX:48,685,631, G>T. VCF-style: chrX-48685631-G-T. GRCh37 (hg19) VCF-style: chrX-48544020-G-T.
Other names: c.358G>T, p.Asp120Tyr (NM_001438876.1, NM_001438877.1, NM_001438878.1 and 1 more transcripts); short protein forms D120Y.
Identifiers: ClinVar variation 5021025 (VCV005021025.1).

ClinVar aggregate classification (germline): Uncertain significance (1 of 4 stars; one submission).

Submission:

Dasa
Classification: Uncertain significance. Last evaluated: 2024-12-26. Review status: criteria provided, single submitter. Criteria: DASA Assertion Criteria. Collection method: clinical testing. Allele origin: germline.
Comment: NM_000377.3(WAS):c.358G>T (p.Asp120Tyr) is a missense variant that results in the substitution of aspartic acid with tyrosine. This variant is rare in population databases. Computational prediction algorithms are consistent with a deleterious effect. The currently available literature and clinical evidence are not sufficient to establish a definitive association between this variant and the reported condition. Therefore, this variant is classified as a variant of uncertain significance.